The following is an entry in ClinVar:

ClinVar aggregate classification (germline): Uncertain significance (1 of 4 stars; one submission).

gnomAD v4.1: 1 of 1,574,618 alleles (0.000064%); highest among the groups gnomAD compares: East Asian, 0.0023%; no homozygotes.

Submission:

Labcorp Genetics (formerly Invitae), Labcorp
Classification: Uncertain significance. Last evaluated: 2025-03-25. Review status: criteria provided, single submitter. Criteria: Invitae Variant Classification Sherloc (09022015). Collection method: clinical testing. Allele origin: germline.
Comment: This sequence change replaces proline, which is neutral and non-polar, with arginine, which is basic and polar, at codon 665 of the MAGEL2 protein (p.Pro665Arg). This variant is not present in population databases (gnomAD no frequency). This variant has not been reported in the literature in individuals affected with MAGEL2-related conditions. Invitae Evidence Modeling of protein sequence and biophysical properties (such as structural, functional, and spatial information, amino acid conservation, physicochemical variation, residue mobility, and thermodynamic stability) indicates that this missense variant is not expected to disrupt MAGEL2 protein function with a negative predictive value of 80%. In summary, the available evidence is currently insufficient to determine the role of this variant in disease. Therefore, it has been classified as a Variant of Uncertain Significance.

NM_019066.5(MAGEL2):c.1994C>G (p.Pro665Arg)

Gene: MAGEL2 (MAGE family member L2; minus strand). Cytogenetic location: 15q11.2.
Variant type: single nucleotide variant.
Coding change: c.1994C>G on transcript NM_019066.5 (MANE Select); coding-DNA position 1994, C replaced by G.
Protein change: p.Pro665Arg; replaces proline 665 with arginine.
Molecular consequence: missense variant.
Genome position (GRCh38, 1-based): chr15:23,645,749, G>C on the plus strand (C>G on the coding strand, the complement: MAGEL2 is on the minus strand). VCF-style: chr15-23645749-G-C. GRCh37 (hg19) VCF-style: chr15-23890896-G-C.
Other names: short protein forms P665R.
Identifiers: ClinVar variation 4780188 (VCV004780188.1).